The following is an entry in ClinVar:

NM_005732.4(RAD50):c.847G>A (p.Glu283Lys)

Gene: RAD50 (RAD50 double strand break repair protein; plus strand). Cytogenetic location: 5q31.1.
Variant type: single nucleotide variant.
Coding change: c.847G>A on transcript NM_005732.4 (MANE Select); coding-DNA position 847, G replaced by A.
Protein change: p.Glu283Lys; replaces glutamic acid 283 with lysine.
Molecular consequence: missense variant.
Genome position (GRCh38, 1-based): chr5:132,587,652, G>A. VCF-style: chr5-132587652-G-A. GRCh37 (hg19) VCF-style: chr5-131923344-G-A.
Other names: short protein forms E283K.
Identifiers: ClinVar variation 1763535 (VCV001763535.3), dbSNP rs2479631840, ClinGen allele CA360940398.

ClinVar aggregate classification (germline): Uncertain significance (1 of 4 stars; one submission).

Conditions:
Hereditary cancer-predisposing syndrome. Also called: Neoplastic Syndromes, Hereditary; Tumor predisposition; Hereditary Cancer Syndrome; Hereditary neoplastic syndrome. Identifiers: Orphanet 140162, MedGen C0027672, MeSH D009386, MONDO:0015356.

Allele frequency attached by ClinVar (database versions not stated): gnomAD exomes below 0.00001.
gnomAD v4.1: 1 of 1,613,842 alleles (0.000062%); highest among the groups gnomAD compares: Non-Finnish European, 0.000085%; no homozygotes.

Submission:

Ambry Genetics
Classification: Uncertain significance for Hereditary cancer-predisposing syndrome. Last evaluated: 2025-07-02. Review status: criteria provided, single submitter. Criteria: Ambry Variant Classification Scheme 2023. Collection method: clinical testing. Allele origin: germline.
Comment: The p.E283K variant (also known as c.847G>A), located in coding exon 6 of the RAD50 gene, results from a G to A substitution at nucleotide position 847. The glutamic acid at codon 283 is replaced by lysine, an amino acid with similar properties. This amino acid position is highly conserved in available vertebrate species. In addition, this alteration is predicted to be tolerated by in silico analysis. Since supporting evidence is limited at this time, the clinical significance of this alteration remains unclear.